The following is an entry in ClinVar:

NM_000138.5(FBN1):c.5224+160C>A

Gene: FBN1 (fibrillin 1; minus strand). Cytogenetic location: 15q21.1.
Variant type: single nucleotide variant.
Coding change: c.5224+160C>A on transcript NM_000138.5 (MANE Select); 160 bases into the intron after coding-DNA position 5224, C replaced by A.
Molecular consequence: intron variant.
Genome position (GRCh38, 1-based): chr15:48,462,922, G>T on the plus strand (C>A on the coding strand, the complement: FBN1 is on the minus strand). VCF-style: chr15-48462922-G-T. GRCh37 (hg19) VCF-style: chr15-48755119-G-T.
Identifiers: ClinVar variation 675941 (VCV000675941.1), dbSNP rs115849520, ClinGen allele CA269547581.

ClinVar aggregate classification (germline): Likely benign (1 of 4 stars; one submission).

Allele frequency attached by ClinVar (database versions not stated): gnomAD 0.00515 and 0.00551; TOPMed 0.00569; 1000 Genomes Project 0.00699; 1000 Genomes Project 30x 0.00812.
gnomAD v4.1: 773 of 152,298 alleles (0.51%); highest among the groups gnomAD compares: African/African-American, 1.8%; 4 homozygotes.

Submission:

GeneDx
Classification: Likely benign. Last evaluated: 2018-06-14. Review status: criteria provided, single submitter. Criteria: GeneDx Variant Classification (06012015). Collection method: clinical testing. Allele origin: germline. Affected: yes.
Comment: This variant is considered likely benign or benign based on one or more of the following criteria: it is a conservative change, it occurs at a poorly conserved position in the protein, it is predicted to be benign by multiple in silico algorithms, and/or has population frequency not consistent with disease.